The following is an entry in ClinVar:

ClinVar aggregate classification (germline): Conflicting classifications of pathogenicity. Review status: criteria provided, conflicting classifications (1 of 4 stars). 13 submissions from 9 submitters: Uncertain significance (9); Benign (1); Likely benign (3). Last evaluated 2023-02-01.

Conditions:
Cardiovascular phenotype. Identifiers: MedGen CN230736.
Dilated cardiomyopathy 1G (CMD1G). Identifiers: Orphanet 154, MedGen C1858763, MONDO:0011400, OMIM 604145.
Autosomal recessive limb-girdle muscular dystrophy type 2J (LGMDR10). Also called: Limb-girdle muscular dystrophy, type 2J; MUSCULAR DYSTROPHY, LIMB-GIRDLE, AUTOSOMAL RECESSIVE 10. Identifiers: Orphanet 140922, MedGen C1837342, MONDO:0012127, OMIM 608807.
Cardiomyopathy (CMYO). Also called: Cardiomyopathies. Identifiers: Orphanet 167848, MedGen C0878544, MONDO:0004994, HP:0001638. Inheritance: Various modes of inheritance.
Tibial muscular dystrophy (TMD). Also called: UDD MYOPATHY; Udd Distal Myopathy – Tibial Muscular Dystrophy; Tibial muscular dystrophy, tardive. Identifiers: Orphanet 609, MedGen C1838244, MONDO:0010870, OMIM 600334.
Myopathy, myofibrillar, 9, with early respiratory failure (MFM9). Also called: Hereditary myopathy with early respiratory failure; EDSTROM MYOPATHY; MYOPATHY, PROXIMAL, WITH EARLY RESPIRATORY MUSCLE INVOLVEMENT; Myopathy, distal, with early respiratory failure, autosomal dominant. Identifiers: Orphanet 178464, Orphanet 34521, MedGen C1863599, MONDO:0011362, OMIM 603689.
Early-onset myopathy with fatal cardiomyopathy (CMYO5). Also called: Salih Myopathy; CONGENITAL MYOPATHY 5 WITH CARDIOMYOPATHY. Identifiers: Orphanet 289377, MedGen C2673677, MONDO:0012714, OMIM 611705. Disease mechanism: loss of function.

Allele frequency attached by ClinVar (database versions not stated): ExAC 0.00003; gnomAD 0.00003; gnomAD exomes 0.00003 and 0.00010; TOPMed 0.00003; ESP Exome Variant Server 0.00008.
gnomAD v4.1: 141 of 1,606,606 alleles (0.0088%); highest among the groups gnomAD compares: Middle Eastern, 0.083%; no homozygotes.

Submissions (13):

CHEO Genetics Diagnostic Laboratory, Children's Hospital of Eastern Ontario
Classification: Likely benign for Cardiomyopathy. Last evaluated: 2023-02-01. Review status: criteria provided, single submitter. Criteria: ACMG Guidelines, 2015. Collection method: clinical testing. Allele origin: germline.

Revvity Omics, Revvity
Classification: Uncertain significance. Last evaluated: 2022-07-01. Review status: criteria provided, single submitter. Criteria: ACMG Guidelines, 2015. Collection method: clinical testing. Allele origin: germline.

Mayo Clinic Laboratories, Mayo Clinic
Classification: Uncertain significance. Last evaluated: 2021-11-12. Review status: criteria provided, single submitter. Criteria: ACMG Guidelines, 2015. Collection method: clinical testing. Allele origin: germline.

Ambry Genetics
Classification: Likely benign for Cardiovascular phenotype. Last evaluated: 2020-05-12. Review status: criteria provided, single submitter. Criteria: Ambry Variant Classification Scheme 2023. Collection method: clinical testing. Allele origin: germline.

Baylor Genetics
Classification: Uncertain significance for Autosomal recessive limb-girdle muscular dystrophy type 2J. Last evaluated: 2020-05-05. Review status: criteria provided, single submitter. Criteria: ACMG Guidelines, 2015. Collection method: clinical testing. Allele origin: unknown. Affected: yes.
Comment: This variant was determined to be of uncertain significance according to ACMG Guidelines, 2015 [PMID:25741868].

GeneDx
Classification: Uncertain significance. Last evaluated: 2019-11-04. Review status: criteria provided, single submitter. Criteria: GeneDx Variant Classification Process June 2021. Collection method: clinical testing. Allele origin: germline. Affected: yes.
Comment: Not observed at a significant frequency in large population cohorts (Lek et al., 2016); Missense variant in a gene in which most reported pathogenic variants are truncating/loss-of-function; Has not been previously published as pathogenic or benign to our knowledge

Illumina Laboratory Services, Illumina
Classification: Uncertain significance for Early-onset myopathy with fatal cardiomyopathy. Last evaluated: 2018-01-12. Review status: criteria provided, single submitter. Criteria: ICSL Variant Classification Criteria 13 December 2019. Collection method: clinical testing. Allele origin: germline.

Illumina Laboratory Services, Illumina
Classification: Uncertain significance for Dilated cardiomyopathy 1G. Last evaluated: 2018-01-12. Review status: criteria provided, single submitter. Criteria: ICSL Variant Classification Criteria 13 December 2019. Collection method: clinical testing. Allele origin: germline.

Illumina Laboratory Services, Illumina
Classification: Benign for Tibial muscular dystrophy. Last evaluated: 2018-01-12. Review status: criteria provided, single submitter. Criteria: ICSL Variant Classification Criteria 13 December 2019. Collection method: clinical testing. Allele origin: germline.
Comment: This variant was observed in the ICSL laboratory as part of a predisposition screen in an ostensibly healthy population. It had not been previously curated by ICSL or reported in the Human Gene Mutation Database (HGMD: prior to June 1st, 2018), and was therefore a candidate for classification through an automated scoring system. Utilizing variant allele frequency, disease prevalence and penetrance estimates, and inheritance mode, an automated score was calculated to assess if this variant is too frequent to cause the disease. Based on the score and internal cut-off values, a variant classified as benign is not then subjected to further curation. The score for this variant resulted in a classification of benign for this disease.

Illumina Laboratory Services, Illumina
Classification: Likely benign for Myopathy, myofibrillar, 9, with early respiratory failure. Last evaluated: 2018-01-12. Review status: criteria provided, single submitter. Criteria: ICSL Variant Classification Criteria 13 December 2019. Collection method: clinical testing. Allele origin: germline.
Comment: This variant was observed in the ICSL laboratory as part of a predisposition screen in an ostensibly healthy population. It had not been previously curated by ICSL or reported in the Human Gene Mutation Database (HGMD: prior to June 1st, 2018), and was therefore a candidate for classification through an automated scoring system. Utilizing variant allele frequency, disease prevalence and penetrance estimates, and inheritance mode, an automated score was calculated to assess if this variant is too frequent to cause the disease. Based on the score and internal cut-off values, a variant classified as likely benign is not then subjected to further curation. The score for this variant resulted in a classification of likely benign for this disease.

Illumina Laboratory Services, Illumina
Classification: Uncertain significance for Autosomal recessive limb-girdle muscular dystrophy type 2J. Last evaluated: 2018-01-12. Review status: criteria provided, single submitter. Criteria: ICSL Variant Classification Criteria 13 December 2019. Collection method: clinical testing. Allele origin: germline.

Labcorp Genetics (formerly Invitae), Labcorp
Classification: Uncertain significance for Dilated cardiomyopathy 1G; Autosomal recessive limb-girdle muscular dystrophy type 2J. Last evaluated: 2017-05-22. Review status: criteria provided, single submitter. Criteria: Invitae Variant Classification Sherloc (09022015). Collection method: clinical testing. Allele origin: germline.

Eurofins Ntd Llc (ga)
Classification: Uncertain significance. Last evaluated: 2015-09-03. Review status: criteria provided, single submitter. Criteria: EGL Classification Definitions 2015. Collection method: clinical testing. Allele origin: germline. Observed: 1 variant allele, 1 heterozygote.

NM_001267550.2(TTN):c.97481G>A (p.Arg32494His)

Genes: TTN (titin; minus strand), TTN-AS1 (TTN antisense RNA 1; plus strand). Cytogenetic location: 2q31.2.
Variant type: single nucleotide variant.
Coding change: c.97481G>A on transcript NM_001267550.2 (MANE Select); coding-DNA position 97481, G replaced by A.
Protein change: p.Arg32494His; replaces arginine 32494 with histidine.
Molecular consequence: missense variant. On other transcripts: non-coding transcript variant (1).
Genome position (GRCh38, 1-based): chr2:178,542,275, C>T on the plus strand (G>A on the coding strand, the complement: TTN is on the minus strand). VCF-style: chr2-178542275-C-T. GRCh37 (hg19) VCF-style: chr2-179407002-C-T.
Other names: p.Arg29926His; c.92558G>A, p.Arg30853His (NM_001256850.1); c.70286G>A, p.Arg23429His (NM_003319.4); c.89777G>A, p.Arg29926His (NM_133378.4); c.70661G>A, p.Arg23554His (NM_133432.3); c.70862G>A, p.Arg23621His (NM_133437.4); short protein forms R29926H, R32494H, R23429H, R23554H, R23621H, R30853H.
Identifiers: ClinVar variation 282429 (VCV000282429.20), dbSNP rs371645048, ClinGen allele CA1986555.
Genomic context (GRCh38, chr2:178,542,275, plus strand): 5'-CATTCAGAATCAGAGGTGGGGAGAGTGGTGGAAGGGCCTGTGGACTTACGGATGCTGCTG[C>T]GACACTCTATGACCTCAGACTGCAAGTAAGAGCCAATCCCGAAGCGGTTTGTTGCAGCCA-3'
Protein context (NP_001254479.2, residues 32484-32504): SYLQSEVIEC[Arg32494His]SSIRIPGPPE